The following is an entry in ClinVar:

NM_006231.4(POLE):c.6738C>G (p.Ile2246Met)

Gene: POLE (DNA polymerase epsilon, catalytic subunit; minus strand). Cytogenetic location: 12q24.33.
Variant type: single nucleotide variant.
Coding change: c.6738C>G on transcript NM_006231.4 (MANE Select); coding-DNA position 6738, C replaced by G.
Protein change: p.Ile2246Met; replaces isoleucine 2246 with methionine.
Molecular consequence: missense variant.
Genome position (GRCh38, 1-based): chr12:132,624,914, G>C on the plus strand (C>G on the coding strand, the complement: POLE is on the minus strand). VCF-style: chr12-132624914-G-C. GRCh37 (hg19) VCF-style: chr12-133201500-G-C.
Other names: short protein forms I2246M.
Identifiers: ClinVar variation 1044250 (VCV001044250.9), dbSNP rs1279124308, ClinGen allele CA387366008.

ClinVar aggregate classification (germline): Uncertain significance (1 of 4 stars; one submission).

Allele frequency attached by ClinVar (database versions not stated): gnomAD 0.00001.
gnomAD v4.1: 1 of 1,613,696 alleles (0.000062%); highest among the groups gnomAD compares: Admixed American, 0.0017%; no homozygotes.

Submission:

Labcorp Genetics (formerly Invitae), Labcorp
Classification: Uncertain significance. Last evaluated: 2021-07-12. Review status: criteria provided, single submitter. Criteria: Invitae Variant Classification Sherloc (09022015). Collection method: clinical testing. Allele origin: germline.
Comment: This sequence change replaces isoleucine with methionine at codon 2246 of the POLE protein (p.Ile2246Met). The isoleucine residue is moderately conserved and there is a small physicochemical difference between isoleucine and methionine. This variant is not present in population databases (ExAC no frequency). This variant has not been reported in the literature in individuals with POLE-related conditions. Algorithms developed to predict the effect of missense changes on protein structure and function are either unavailable or do not agree on the potential impact of this missense change (SIFT: "Deleterious"; PolyPhen-2: "Benign"; Align-GVGD: "Class C0"). In summary, the available evidence is currently insufficient to determine the role of this variant in disease. Therefore, it has been classified as a Variant of Uncertain Significance.